The following is an entry in ClinVar:

ClinVar aggregate classification (germline): Likely benign. Review status: criteria provided, multiple submitters, no conflicts (2 of 4 stars). 2 submissions from 2 submitters: Likely benign (2). Last evaluated 2025-10-01.

Allele frequency attached by ClinVar (database versions not stated): ExAC 0.00003; gnomAD 0.00013; ESP Exome Variant Server 0.00015; TOPMed 0.00021.
gnomAD v4.1: 47 of 1,614,130 alleles (0.0029%); highest among the groups gnomAD compares: African/African-American, 0.057%; no homozygotes.

Submissions (2):

CeGaT Center for Human Genetics Tuebingen
Classification: Likely benign. Last evaluated: 2025-10-01. Review status: criteria provided, single submitter. Criteria: CeGaT Center For Human Genetics Tuebingen Variant Classification Criteria Version 2. Collection method: clinical testing. Allele origin: germline. Affected: yes. Observed: 1 variant allele.
Comment: TRRAP: BP4, BP7

Labcorp Genetics (formerly Invitae), Labcorp
Classification: Likely benign. Last evaluated: 2025-06-12. Review status: criteria provided, single submitter. Criteria: Invitae Variant Classification Sherloc (09022015). Collection method: clinical testing. Allele origin: germline.

NM_001375524.1(TRRAP):c.6816C>G (p.Pro2272=)

Gene: TRRAP (transformation/transcription domain associated protein; plus strand). Cytogenetic location: 7q22.1.
Variant type: single nucleotide variant.
Coding change: c.6816C>G on transcript NM_001375524.1 (MANE Select); coding-DNA position 6816, C replaced by G.
Protein change: p.Pro2272=; no amino-acid change (proline 2272 retained).
Molecular consequence: synonymous variant.
Genome position (GRCh38, 1-based): chr7:98,962,414, C>G. VCF-style: chr7-98962414-C-G. GRCh37 (hg19) VCF-style: chr7-98560037-C-G.
Other names: c.6795C>G, p.Pro2265= (NM_001244580.2); c.6741C>G, p.Pro2247= (NM_003496.4).
Identifiers: ClinVar variation 1903133 (VCV001903133.11), dbSNP rs143322478, ClinGen allele CA4360968.